The following is an entry in ClinVar:

NM_001127898.4(CLCN5):c.95A>G (p.Asp32Gly)

Gene: CLCN5 (Cl-/H+ antiporter 5; plus strand). Cytogenetic location: Xp11.23.
Variant type: single nucleotide variant.
Coding change: c.95A>G on transcript NM_001127898.4 (MANE Select); coding-DNA position 95, A replaced by G.
Protein change: p.Asp32Gly; replaces aspartic acid 32 with glycine.
Molecular consequence: missense variant.
Genome position (GRCh38, 1-based): chrX:50,042,394, A>G. VCF-style: chrX-50042394-A-G. GRCh37 (hg19) VCF-style: chrX-49807003-A-G.
Other names: c.95A>G, p.Asp32Gly (NM_001127899.4, NM_001272102.2); short protein forms D32G.
Identifiers: ClinVar variation 3048658 (VCV003048658.3), dbSNP rs202230774, ClinGen allele CA10413680.

ClinVar aggregate classification (germline): Likely benign. Review status: criteria provided, single submitter (1 of 4 stars). 2 submissions from 2 submitters: Likely benign (1). 1 of the submissions does not count toward it. Last evaluated 2023-12-22.

Conditions:
CLCN5-related disorder. Also called: CLCN5-related condition.

Allele frequency attached by ClinVar (database versions not stated): gnomAD exomes 0.00023; gnomAD 0.00035; TOPMed 0.00037; ESP Exome Variant Server 0.00049; ExAC 0.00131.
gnomAD v4.1: 301 of 1,161,946 alleles (0.026%); highest among the groups gnomAD compares: African/African-American, 0.0054%; 1 homozygote.

Submissions (2):

Blueprint Genetics
Classification: Likely benign. Last evaluated: 2023-12-22. Review status: criteria provided, single submitter. Criteria: ACMG Guidelines, 2015. Collection method: clinical testing. Allele origin: germline.

PreventionGenetics, part of Exact Sciences
Classification: Benign for CLCN5-related condition. Last evaluated: 2019-12-11. Review status: no assertion criteria provided. Collection method: clinical testing. Allele origin: germline. Not counted in ClinVar's aggregate classification.
Comment: This variant is classified as benign based on ACMG/AMP sequence variant interpretation guidelines (Richards et al. 2015 PMID: 25741868, with internal and published modifications).